The following is an entry in ClinVar:

NM_198506.5(LRIT3):c.1763C>T (p.Thr588Ile)

Gene: LRIT3 (leucine rich repeat, Ig-like and transmembrane domains 3; plus strand). Cytogenetic location: 4q25.
Variant type: single nucleotide variant.
Coding change: c.1763C>T on transcript NM_198506.5 (MANE Select); coding-DNA position 1763, C replaced by T.
Protein change: p.Thr588Ile; replaces threonine 588 with isoleucine.
Molecular consequence: missense variant.
Genome position (GRCh38, 1-based): chr4:109,870,512, C>T. VCF-style: chr4-109870512-C-T. GRCh37 (hg19) VCF-style: chr4-110791668-C-T.
Other names: short protein forms T588I.
Identifiers: ClinVar variation 1976554 (VCV001976554.2), dbSNP rs1302839235, ClinGen allele CA357872745.

ClinVar aggregate classification (germline): Uncertain significance (1 of 4 stars; one submission).

Allele frequency attached by ClinVar (database versions not stated): gnomAD exomes below 0.00001.

Submission:

Labcorp Genetics (formerly Invitae), Labcorp
Classification: Uncertain significance. Last evaluated: 2022-04-12. Review status: criteria provided, single submitter. Criteria: Invitae Variant Classification Sherloc (09022015). Collection method: clinical testing. Allele origin: germline.
Comment: This sequence change replaces threonine, which is neutral and polar, with isoleucine, which is neutral and non-polar, at codon 588 of the LRIT3 protein (p.Thr588Ile). This variant is present in population databases (no rsID available, gnomAD 0.003%). This variant has not been reported in the literature in individuals affected with LRIT3-related conditions. Algorithms developed to predict the effect of missense changes on protein structure and function are either unavailable or do not agree on the potential impact of this missense change (SIFT: "Deleterious"; PolyPhen-2: "Benign"; Align-GVGD: "Class C0"). In summary, the available evidence is currently insufficient to determine the role of this variant in disease. Therefore, it has been classified as a Variant of Uncertain Significance.